The following is an entry in ClinVar:

ClinVar aggregate classification (germline): Likely benign (1 of 4 stars; one submission).

Conditions:
GLA-related disorder. Also called: GLA-related condition.

gnomAD v4.1: 20 of 536,301 alleles (0.0037%); highest among the groups gnomAD compares: African/African-American, 0.03%; no homozygotes.

Submission:

PreventionGenetics, part of Exact Sciences
Classification: Likely benign for GLA-related condition. Last evaluated: 2025-05-01. Review status: criteria provided, single submitter. Criteria: ACMG Guidelines, 2015. Collection method: clinical testing. Allele origin: germline.
Comment: This variant is classified as likely benign based on ACMG/AMP sequence variant interpretation guidelines (Richards et al. 2015 PMID: 25741868, with internal and published modifications).

NM_000169.3(GLA):c.639+90G>A

Genes: GLA (galactosidase alpha; minus strand), RPL36A-HNRNPH2 (RPL36A-HNRNPH2 readthrough; plus strand). Cytogenetic location: Xq22.1.
Variant type: single nucleotide variant.
Coding change: c.639+90G>A on transcript NM_000169.3 (MANE Select); 90 bases into the intron after coding-DNA position 639, G replaced by A.
Molecular consequence: intron variant.
Genome position (GRCh38, 1-based): chrX:101,400,576, C>T on the plus strand (G>A on the coding strand, the complement: GLA is on the minus strand). VCF-style: chrX-101400576-C-T. GRCh37 (hg19) VCF-style: chrX-100655564-C-T.
Other names: c.300+5119C>T (NM_001199973.2); c.177+8754C>T (NM_001199974.2); c.762+90G>A (NM_001406747.1); c.639+90G>A (NM_001406748.1).
Identifiers: ClinVar variation 4989225 (VCV004989225.1).
Genomic context (GRCh38, chrX:101,400,576, plus strand): 5'-CAGTGGGGATGGTGAGAAGTGGTTGGAACCTGGGAGAGATGGTAGGATGATAGTAAGTAA[C>T]GTTGGACTTTGAAGGAGACCTTGGTTTCCTTTGTTGTCAAGTTCTATCTATCAGTACAGT-3'